The following is an entry in ClinVar:

ClinVar aggregate classification (germline): Uncertain significance. Review status: criteria provided, multiple submitters, no conflicts (2 of 4 stars). 3 submissions from 3 submitters: Uncertain significance (2). 1 of the submissions does not count toward it. Last evaluated 2023-12-20.

Conditions:
Inborn genetic diseases. Identifiers: MedGen C0950123, MeSH D030342.
MHC class II deficiency. Also called: Bare lymphocyte syndrome 2; BLS, TYPE II. Identifiers: Orphanet 572, MedGen C5447452, MONDO:0008855.

Allele frequency attached by ClinVar (database versions not stated): ExAC 0.00003; gnomAD exomes 0.00004 and 0.00017; gnomAD 0.00011 and 0.00012; TOPMed 0.00011; 1000 Genomes Project 30x 0.00016; 1000 Genomes Project 0.00020.
gnomAD v4.1: 265 of 1,614,130 alleles (0.016%); highest among the groups gnomAD compares: Middle Eastern, 0.082%; 1 homozygote.

Submissions (3):

Ambry Genetics
Classification: Uncertain significance for Inborn genetic diseases. Last evaluated: 2023-12-20. Review status: criteria provided, single submitter. Criteria: Ambry Variant Classification Scheme 2023. Collection method: clinical testing. Allele origin: germline.

Labcorp Genetics (formerly Invitae), Labcorp
Classification: Uncertain significance for MHC class II deficiency. Last evaluated: 2022-08-23. Review status: criteria provided, single submitter. Criteria: Invitae Variant Classification Sherloc (09022015). Collection method: clinical testing. Allele origin: germline.
Comment: This sequence change replaces glutamic acid, which is acidic and polar, with lysine, which is basic and polar, at codon 1037 of the CIITA protein (p.Glu1037Lys). This variant is present in population databases (rs552040932, gnomAD 0.009%). This variant has not been reported in the literature in individuals affected with CIITA-related conditions. ClinVar contains an entry for this variant (Variation ID: 968121). Algorithms developed to predict the effect of missense changes on protein structure and function output the following: SIFT: "Tolerated"; PolyPhen-2: "Benign"; Align-GVGD: "Class C0". The lysine amino acid residue is found in multiple mammalian species, which suggests that this missense change does not adversely affect protein function. In summary, the available evidence is currently insufficient to determine the role of this variant in disease. Therefore, it has been classified as a Variant of Uncertain Significance.

Natera, Inc.
Classification: Uncertain significance for Bare lymphocyte syndrome type II. Last evaluated: 2020-01-31. Review status: no assertion criteria provided. Collection method: clinical testing. Allele origin: germline. Not counted in ClinVar's aggregate classification.

NM_000246.4(CIITA):c.3109G>A (p.Glu1037Lys)

Gene: CIITA (class II major histocompatibility complex transactivator; plus strand). Cytogenetic location: 16p13.13.
Variant type: single nucleotide variant.
Coding change: c.3109G>A on transcript NM_000246.4 (MANE Select); coding-DNA position 3109, G replaced by A.
Protein change: p.Glu1037Lys; replaces glutamic acid 1037 with lysine.
Molecular consequence: missense variant. On other transcripts: non-coding transcript variant (1).
Genome position (GRCh38, 1-based): chr16:10,918,486, G>A. VCF-style: chr16-10918486-G-A. GRCh37 (hg19) VCF-style: chr16-11012343-G-A.
Other names: c.3112G>A, p.Glu1038Lys (NM_001286402.1, NM_001379332.1); c.1357G>A, p.Glu453Lys (NM_001286403.2); c.2965G>A, p.Glu989Lys (NM_001379330.1); c.2962G>A, p.Glu988Lys (NM_001379331.1); c.3109G>A, p.Glu1037Lys (NM_001379333.1); c.3040G>A, p.Glu1014Lys (NM_001379334.1); short protein forms E1038K, E453K, E988K, E989K, E1014K, E1037K.
Identifiers: ClinVar variation 968121 (VCV000968121.8), dbSNP rs552040932, ClinGen allele CA7900666.